The following is an entry in ClinVar:

ClinVar aggregate classification (germline): Uncertain significance (1 of 4 stars; one submission).

gnomAD v4.1: 2 of 1,613,840 alleles (0.00012%); highest among the groups gnomAD compares: Non-Finnish European, 0.00017%; no homozygotes.

Submission:

Labcorp Genetics (formerly Invitae), Labcorp
Classification: Uncertain significance. Last evaluated: 2021-06-26. Review status: criteria provided, single submitter. Criteria: Invitae Variant Classification Sherloc (09022015). Collection method: clinical testing. Allele origin: germline.
Comment: In summary, the available evidence is currently insufficient to determine the role of this variant in disease. Therefore, it has been classified as a Variant of Uncertain Significance. Algorithms developed to predict the effect of missense changes on protein structure and function are either unavailable or do not agree on the potential impact of this missense change (SIFT: "Deleterious"; PolyPhen-2: "Benign"; Align-GVGD: "Class C0"). This variant has not been reported in the literature in individuals affected with USH2A-related conditions. This variant is not present in population databases (ExAC no frequency). This sequence change replaces asparagine with lysine at codon 3059 of the USH2A protein (p.Asn3059Lys). The asparagine residue is highly conserved and there is a moderate physicochemical difference between asparagine and lysine.

NM_206933.4(USH2A):c.9177T>G (p.Asn3059Lys)

Gene: USH2A (usherin; minus strand). Cytogenetic location: 1q41.
Variant type: single nucleotide variant.
Coding change: c.9177T>G on transcript NM_206933.4 (MANE Select); coding-DNA position 9177, T replaced by G.
Protein change: p.Asn3059Lys; replaces asparagine 3059 with lysine.
Molecular consequence: missense variant.
Genome position (GRCh38, 1-based): chr1:215,844,375, A>C on the plus strand (T>G on the coding strand, the complement: USH2A is on the minus strand). VCF-style: chr1-215844375-A-C. GRCh37 (hg19) VCF-style: chr1-216017717-A-C.
Other names: short protein forms N3059K.
Identifiers: ClinVar variation 1378147 (VCV001378147.8), dbSNP rs2102821801, ClinGen allele CA344838755.
Genomic context (GRCh38, chr1:215,844,375, plus strand): 5'-GGGAGACAGGTCTCTCAGAATAAACGACCCAGGCACATTCATTCCAGTCTTGTAGAGCTT[A>C]TTATTTACATAGATAGAATACTCAGTGACAACACCATTTGGGTTTGAAGGAGATGTCCAG-3'
Protein context (NP_996816.3, residues 3049-3069): VVTEYSIYVN[Asn3059Lys]KLYKTGMNVP